The following is an entry in ClinVar:

NM_000142.5(FGFR3):c.67G>C (p.Glu23Gln)

Gene: FGFR3 (fibroblast growth factor receptor 3; plus strand). Cytogenetic location: 4p16.3.
Variant type: single nucleotide variant.
Coding change: c.67G>C on transcript NM_000142.5 (MANE Select); coding-DNA position 67, G replaced by C.
Protein change: p.Glu23Gln; replaces glutamic acid 23 with glutamine.
Molecular consequence: missense variant. On other transcripts: non-coding transcript variant (1).
Genome position (GRCh38, 1-based): chr4:1,794,001, G>C. VCF-style: chr4-1794001-G-C. GRCh37 (hg19) VCF-style: chr4-1795728-G-C.
Other names: c.67G>C, p.Glu23Gln (NM_001163213.2, NM_001354809.2, NM_001354810.2 and 1 more transcripts); short protein forms E23Q.
Identifiers: ClinVar variation 1679979 (VCV001679979.8), dbSNP rs1577253714, ClinGen allele CA355985814.

ClinVar aggregate classification (germline): Uncertain significance (1 of 4 stars; one submission).

gnomAD v4.1: 5 of 1,398,782 alleles (0.00036%); highest among the groups gnomAD compares: Non-Finnish European, 0.00047%; no homozygotes.

Submission:

Labcorp Genetics (formerly Invitae), Labcorp
Classification: Uncertain significance. Last evaluated: 2021-02-14. Review status: criteria provided, single submitter. Criteria: Invitae Variant Classification Sherloc (09022015). Collection method: clinical testing. Allele origin: germline.
Comment: In summary, the available evidence is currently insufficient to determine the role of this variant in disease. Therefore, it has been classified as a Variant of Uncertain Significance. Algorithms developed to predict the effect of missense changes on protein structure and function (SIFT, PolyPhen-2, Align-GVGD) all suggest that this variant is likely to be tolerated, but these predictions have not been confirmed by published functional studies and their clinical significance is uncertain. This variant has not been reported in the literature in individuals with FGFR3-related conditions. The frequency data for this variant in the population databases is considered unreliable, as metrics indicate insufficient coverage at this position in the ExAC database. This sequence change replaces glutamic acid with glutamine at codon 23 of the FGFR3 protein (p.Glu23Gln). The glutamic acid residue is weakly conserved and there is a small physicochemical difference between glutamic acid and glutamine.